The following is an entry in ClinVar:

NM_001042492.3(NF1):c.3366T>G (p.Asp1122Glu)

Gene: NF1 (neurofibromin 1; plus strand). Cytogenetic location: 17q11.2.
Variant type: single nucleotide variant.
Coding change: c.3366T>G on transcript NM_001042492.3 (MANE Select); coding-DNA position 3366, T replaced by G.
Protein change: p.Asp1122Glu; replaces aspartic acid 1122 with glutamic acid.
Molecular consequence: missense variant.
Genome position (GRCh38, 1-based): chr17:31,232,751, T>G. VCF-style: chr17-31232751-T-G. GRCh37 (hg19) VCF-style: chr17-29559769-T-G.
Other names: c.3366T>G, p.Asp1122Glu (NM_000267.4); short protein forms D1122E.
Identifiers: ClinVar variation 2014824 (VCV002014824.4), dbSNP rs1597719465, ClinGen allele CA398989079.

ClinVar aggregate classification (germline): Uncertain significance (1 of 4 stars; one submission).

Conditions:
Neurofibromatosis, type 1 (NF1). Also called: Neurofibromatosis, type I; Peripheral type neurofibromatosis; VON RECKLINGHAUSEN DISEASE; NEUROFIBROMATOSIS, TYPE I, SOMATIC. Identifiers: Orphanet 636, MedGen C0027831, MONDO:0018975, OMIM 162200. Disease mechanism: loss of function.

Submission:

Labcorp Genetics (formerly Invitae), Labcorp
Classification: Uncertain significance for Neurofibromatosis, type 1. Last evaluated: 2022-07-07. Review status: criteria provided, single submitter. Criteria: Invitae Variant Classification Sherloc (09022015). Collection method: clinical testing. Allele origin: germline.
Comment: This variant is not present in population databases (gnomAD no frequency). In summary, the available evidence is currently insufficient to determine the role of this variant in disease. Therefore, it has been classified as a Variant of Uncertain Significance. Advanced modeling of protein sequence and biophysical properties (such as structural, functional, and spatial information, amino acid conservation, physicochemical variation, residue mobility, and thermodynamic stability) performed at Invitae indicates that this missense variant is not expected to disrupt NF1 protein function. This variant has not been reported in the literature in individuals affected with NF1-related conditions. This sequence change replaces aspartic acid, which is acidic and polar, with glutamic acid, which is acidic and polar, at codon 1122 of the NF1 protein (p.Asp1122Glu).